The following is an entry in ClinVar:

NM_182914.3(SYNE2):c.2425A>G (p.Thr809Ala)

Gene: SYNE2 (spectrin repeat containing nuclear envelope protein 2; plus strand). Cytogenetic location: 14q23.2.
Variant type: single nucleotide variant.
Coding change: c.2425A>G on transcript NM_182914.3 (MANE Select); coding-DNA position 2425, A replaced by G.
Protein change: p.Thr809Ala; replaces threonine 809 with alanine.
Molecular consequence: missense variant.
Genome position (GRCh38, 1-based): chr14:63,990,522, A>G. VCF-style: chr14-63990522-A-G. GRCh37 (hg19) VCF-style: chr14-64457240-A-G.
Other names: c.2425A>G (NM_182914.2); c.2425A>G, p.Thr809Ala (NM_015180.6); short protein forms T809A.
Identifiers: ClinVar variation 1056752 (VCV001056752.10), dbSNP rs374684922, ClinGen allele CA7219682.

ClinVar aggregate classification (germline): Uncertain significance. Review status: criteria provided, multiple submitters, no conflicts (2 of 4 stars). 2 submissions from 2 submitters: Uncertain significance (2). Last evaluated 2025-08-18.

Conditions:
Emery-Dreifuss muscular dystrophy 5, autosomal dominant (EDMD5). Also called: EMERY-DREIFUSS MUSCULAR DYSTROPHY 5. Identifiers: Orphanet 261, MedGen C2751805, MONDO:0013072, OMIM 612999.

Allele frequency attached by ClinVar (database versions not stated): gnomAD exomes 0.00002 and 0.00004; ExAC 0.00004; ESP Exome Variant Server 0.00008; gnomAD 0.00016 and 0.00018; TOPMed 0.00018.
gnomAD v4.1: 50 of 1,612,778 alleles (0.0031%); highest among the groups gnomAD compares: African/African-American, 0.064%; 1 homozygote.

Submissions (2):

Labcorp Genetics (formerly Invitae), Labcorp
Classification: Uncertain significance for Emery-Dreifuss muscular dystrophy 5, autosomal dominant. Last evaluated: 2025-08-18. Review status: criteria provided, single submitter. Criteria: Invitae Variant Classification Sherloc (09022015). Collection method: clinical testing. Allele origin: germline.
Comment: This sequence change replaces threonine, which is neutral and polar, with alanine, which is neutral and non-polar, at codon 809 of the SYNE2 protein (p.Thr809Ala). This variant is present in population databases (rs374684922, gnomAD 0.07%), and has an allele count higher than expected for a pathogenic variant. This variant has not been reported in the literature in individuals affected with SYNE2-related conditions. ClinVar contains an entry for this variant (Variation ID: 1056752). An algorithm developed to predict the effect of missense changes on protein structure and function (PolyPhen-2) suggests that this variant is likely to be tolerated. In summary, the available evidence is currently insufficient to determine the role of this variant in disease. Therefore, it has been classified as a Variant of Uncertain Significance.

Ambry Genetics
Classification: Uncertain significance. Last evaluated: 2024-06-26. Review status: criteria provided, single submitter. Criteria: Ambry Variant Classification Scheme 2023. Collection method: clinical testing. Allele origin: germline.